The following is an entry in ClinVar:

ClinVar aggregate classification (germline): Benign (0 of 4 stars; one submission).

Conditions:
DNHD1-related disorder. Also called: DNHD1-related condition.

Allele frequency attached by ClinVar (database versions not stated): 1000 Genomes Project 30x 0.00531; 1000 Genomes Project 0.00599; ESP Exome Variant Server 0.00701.
gnomAD v4.1: 16,329 of 1,545,766 alleles (1.1%); highest among the groups gnomAD compares: South Asian, 3%; 149 homozygotes.

Submission:

PreventionGenetics, part of Exact Sciences
Classification: Benign for DNHD1-related condition. Last evaluated: 2019-02-22. Review status: no assertion criteria provided. Collection method: clinical testing. Allele origin: germline.
Comment: This variant is classified as benign based on ACMG/AMP sequence variant interpretation guidelines (Richards et al. 2015 PMID: 25741868, with internal and published modifications).

NM_144666.3(DNHD1):c.10284+7A>T

Gene: DNHD1 (dynein heavy chain domain 1; plus strand). Cytogenetic location: 11p15.4.
Variant type: single nucleotide variant.
Coding change: c.10284+7A>T on transcript NM_144666.3 (MANE Select); 7 bases into the intron after coding-DNA position 10284, A replaced by T.
Molecular consequence: intron variant.
Genome position (GRCh38, 1-based): chr11:6,564,131, A>T. VCF-style: chr11-6564131-A-T. GRCh37 (hg19) VCF-style: chr11-6585361-A-T.
Identifiers: ClinVar variation 3042373 (VCV003042373.2), dbSNP rs113574909, ClinGen allele CA5856484.